The following is an entry in ClinVar:

NM_000126.4(ETFA):c.451+14G>A

Gene: ETFA (electron transfer flavoprotein subunit alpha; minus strand). Cytogenetic location: 15q24.2.
Variant type: single nucleotide variant.
Coding change: c.451+14G>A on transcript NM_000126.4 (MANE Select); 14 bases into the intron after coding-DNA position 451, G replaced by A.
Molecular consequence: intron variant.
Genome position (GRCh38, 1-based): chr15:76,287,832, C>T on the plus strand (G>A on the coding strand, the complement: ETFA is on the minus strand). VCF-style: chr15-76287832-C-T. GRCh37 (hg19) VCF-style: chr15-76580173-C-T.
Other names: c.304+14G>A (NM_001127716.2).
Identifiers: ClinVar variation 381198 (VCV000381198.9), dbSNP rs557684539, ClinGen allele CA7673761.

ClinVar aggregate classification (germline): Benign/Likely benign. Review status: criteria provided, multiple submitters, no conflicts (2 of 4 stars). 2 submissions from 2 submitters: Benign (1); Likely benign (1). Last evaluated 2026-01-04.

Conditions:
Multiple acyl-CoA dehydrogenase deficiency (MADD). Also called: Glutaric acidemia type II; GA 2; ETHYLMALONIC-ADIPICACIDURIA; GA II; Glutaric aciduria, type 2; Glutaric Acidemia type 2. Identifiers: Orphanet 26791, MedGen C0268596, MONDO:0009282, OMIM 231680.

Allele frequency attached by ClinVar (database versions not stated): TOPMed 0.00004; gnomAD 0.00005 and 0.00011; gnomAD exomes 0.00015 and 0.00026; 1000 Genomes Project 0.00020; ExAC 0.00032; 1000 Genomes Project 30x 0.00047.
gnomAD v4.1: 220 of 1,506,876 alleles (0.015%); highest among the groups gnomAD compares: South Asian, 0.23%; 2 homozygotes.

Submissions (2):

Labcorp Genetics (formerly Invitae), Labcorp
Classification: Benign for Multiple acyl-CoA dehydrogenase deficiency. Last evaluated: 2026-01-04. Review status: criteria provided, single submitter. Criteria: Invitae Variant Classification Sherloc (09022015). Collection method: clinical testing. Allele origin: germline.

GeneDx
Classification: Likely benign. Last evaluated: 2016-11-01. Review status: criteria provided, single submitter. Criteria: GeneDx Variant Classification (06012015). Collection method: clinical testing. Allele origin: germline. Affected: yes.
Comment: This variant is considered likely benign or benign based on one or more of the following criteria: it is a conservative change, it occurs at a poorly conserved position in the protein, it is predicted to be benign by multiple in silico algorithms, and/or has population frequency not consistent with disease.